The following is an entry in ClinVar:

ClinVar aggregate classification (germline): Uncertain significance (1 of 4 stars; one submission).

Conditions:
Hereditary cancer-predisposing syndrome. Also called: Neoplastic Syndromes, Hereditary; Tumor predisposition; Hereditary Cancer Syndrome; Hereditary neoplastic syndrome. Identifiers: Orphanet 140162, MedGen C0027672, MeSH D009386, MONDO:0015356.

Submission:

Ambry Genetics
Classification: Uncertain significance for Hereditary cancer-predisposing syndrome. Last evaluated: 2025-07-03. Review status: criteria provided, single submitter. Criteria: Ambry Variant Classification Scheme 2023. Collection method: clinical testing. Allele origin: germline.
Comment: The p.M355L variant (also known as c.1063A>C), located in coding exon 9 of the TSC1 gene, results from an A to C substitution at nucleotide position 1063. The methionine at codon 355 is replaced by leucine, an amino acid with highly similar properties. This amino acid position is conserved. In addition, the in silico prediction for this alteration is inconclusive. Based on the available evidence, the clinical significance of this variant remains unclear.

NM_000368.5(TSC1):c.1063A>C (p.Met355Leu)

Gene: TSC1 (TSC complex subunit 1; minus strand). Cytogenetic location: 9q34.13.
Variant type: single nucleotide variant.
Coding change: c.1063A>C on transcript NM_000368.5 (MANE Select); coding-DNA position 1063, A replaced by C.
Protein change: p.Met355Leu; replaces methionine 355 with leucine.
Molecular consequence: missense variant. On other transcripts: non-coding transcript variant (5).
Genome position (GRCh38, 1-based): chr9:132,911,080, T>G on the plus strand (A>C on the coding strand, the complement: TSC1 is on the minus strand). VCF-style: chr9-132911080-T-G. GRCh37 (hg19) VCF-style: chr9-135786467-T-G.
Other names: c.1063A>C, p.Met355Leu (NM_001162426.2, NM_001406592.1, NM_001406593.1 and 16 more transcripts); c.910A>C, p.Met304Leu (NM_001162427.2, NM_001406610.1, NM_001406611.1 and 2 more transcripts); c.700A>C, p.Met234Leu (NM_001362177.2, NM_001406615.1, NM_001406616.1 and 10 more transcripts); c.112A>C, p.Met38Leu (NM_001406626.1, NM_001406627.1, NM_001406628.1); c.13A>C, p.Met5Leu (NM_001406629.1, NM_001406630.1); short protein forms M355L, M234L, M304L, M38L, M5L.
Identifiers: ClinVar variation 4192064 (VCV004192064.1).